The following is an entry in ClinVar:

NM_000492.4(CFTR):c.4429G>T (p.Asp1477Tyr)

Genes: CFTR (CF transmembrane conductance regulator; plus strand), LOC111674477 (CFTR intron 23 enhancer; plus strand). Cytogenetic location: 7q31.2.
Variant type: single nucleotide variant.
Coding change: c.4429G>T on transcript NM_000492.4 (MANE Select); coding-DNA position 4429, G replaced by T.
Protein change: p.Asp1477Tyr; replaces aspartic acid 1477 with tyrosine.
Molecular consequence: missense variant.
Genome position (GRCh38, 1-based): chr7:117,667,094, G>T. VCF-style: chr7-117667094-G-T. GRCh37 (hg19) VCF-style: chr7-117307148-G-T.
Other names: short protein forms D1477Y.
Identifiers: ClinVar variation 3491674 (VCV003491674.1).

ClinVar aggregate classification (germline): Uncertain significance (1 of 4 stars; one submission).

Conditions:
Cystic fibrosis (CF). Also called: MUCOVISCIDOSIS. Identifiers: Orphanet 586, MedGen C0010674, MONDO:0009061, OMIM 219700. Disease mechanism: loss of function.

Submission:

Ambry Genetics
Classification: Uncertain significance for Cystic fibrosis. Last evaluated: 2024-09-30. Review status: criteria provided, single submitter. Criteria: Ambry Variant Classification Scheme 2023. Collection method: clinical testing. Allele origin: germline.
Comment: The p.D1477Y variant (also known as c.4429G>T), located in coding exon 27 of the CFTR gene, results from a G to T substitution at nucleotide position 4429. The aspartic acid at codon 1477 is replaced by tyrosine, an amino acid with highly dissimilar properties. This amino acid position is conserved. In addition, the in silico prediction for this alteration is inconclusive. Based on the available evidence, the clinical significance of this variant remains unclear.